The following is an entry in ClinVar:

ClinVar aggregate classification (germline): Uncertain significance (1 of 4 stars; one submission).

Submission:

Ambry Genetics
Classification: Uncertain significance. Last evaluated: 2025-03-10. Review status: criteria provided, single submitter. Criteria: Ambry Variant Classification Scheme 2023. Collection method: clinical testing. Allele origin: germline.
Comment: The p.Q1444R variant (also known as c.4331A>G), located in coding exon 12 of the MLH3 gene, results from an A to G substitution at nucleotide position 4331. The glutamine at codon 1444 is replaced by arginine, an amino acid with highly similar properties. This amino acid position is conserved. In addition, this alteration is predicted to be tolerated by in silico analysis. Based on the available evidence, the clinical significance of this variant remains unclear.

NM_001040108.2(MLH3):c.4331A>G (p.Gln1444Arg)

Gene: MLH3 (mutL homolog 3; minus strand). Cytogenetic location: 14q24.3.
Variant type: single nucleotide variant.
Coding change: c.4331A>G on transcript NM_001040108.2 (MANE Select); coding-DNA position 4331, A replaced by G.
Protein change: p.Gln1444Arg; replaces glutamine 1444 with arginine.
Molecular consequence: missense variant.
Genome position (GRCh38, 1-based): chr14:75,017,113, T>C on the plus strand (A>G on the coding strand, the complement: MLH3 is on the minus strand). VCF-style: chr14-75017113-T-C. GRCh37 (hg19) VCF-style: chr14-75483816-T-C.
Other names: c.4259A>G, p.Gln1420Arg (NM_014381.3); short protein forms Q1444R, Q1420R.
Identifiers: ClinVar variation 3873546 (VCV003873546.1).
Genomic context (GRCh38, chr14:75,017,113, plus strand): 5'-TTGTTCCTTTTAGACCAGTGATTCTGTTCTCATGGTGGCTCACAGGGAGGCATGGATTGC[T>C]GCAGGCTCTGCCTTGTATCACACTCTGCTTTTCCAAAGAGACGCCAGGCCTGGGCCATTT-3'
Protein context (NP_001035197.1, residues 1434-1453): KAECDTRQSL[Gln1444Arg]QSMPPCEPP